The following is an entry in ClinVar:

NM_000540.3(RYR1):c.9905del (p.Pro3302fs)

Gene: RYR1 (ryanodine receptor 1; plus strand). Cytogenetic location: 19q13.2.
Variant type: Deletion.
Coding change: c.9905del on transcript NM_000540.3 (MANE Select); coding-DNA position 9905, one base deleted (C; older notation c.9905delC).
Protein change: p.Pro3302fs; shifts the reading frame from proline 3302.
Molecular consequence: frameshift variant.
Genome position (GRCh38, 1-based): chr19:38,517,578, C deleted; the last of 7 consecutive C bases (chr19:38,517,572-38,517,578); deleting any one gives the same sequence. VCF-style (leftmost placement, unchanged base first): chr19-38517571-GC-G. GRCh37 (hg19) VCF-style: chr19-39008211-GC-G.
Other names: c.9905delC, p.Pro3302Hisfs (NM_000540.2); c.9905del, p.Pro3302fs (NM_001042723.2); short protein forms P3302fs.
Identifiers: ClinVar variation 5016849 (VCV005016849.1).

ClinVar aggregate classification (germline): Pathogenic (1 of 4 stars; one submission).

Submission:

GeneDx
Classification: Pathogenic. Last evaluated: 2026-04-03. Review status: criteria provided, single submitter. Criteria: GeneDx Variant Classification Process June 2021. Collection method: clinical testing. Allele origin: germline.
Comment: Frameshift variant predicted to result in protein truncation or nonsense mediated decay in a gene for which loss of function is a known mechanism of disease; Not observed at significant frequency in large population cohorts (gnomAD); Has not been previously published as pathogenic or benign to our knowledge